The following is an entry in ClinVar:

ClinVar aggregate classification (germline): Uncertain significance (1 of 4 stars; one submission).

Conditions:
Inborn genetic diseases. Identifiers: MedGen C0950123, MeSH D030342.

gnomAD v4.1: 1 of 1,140,560 alleles (0.000088%); highest among the groups gnomAD compares: Middle Eastern, 0.039%; no homozygotes.

Submission:

Ambry Genetics
Classification: Uncertain significance for Inborn genetic diseases. Last evaluated: 2025-10-03. Review status: criteria provided, single submitter. Criteria: Ambry Variant Classification Scheme 2023. Collection method: clinical testing. Allele origin: germline.
Comment: The p.R165L variant (also known as c.494G>T), located in coding exon 1 of the CEBPA gene, results from a G to T substitution at nucleotide position 494. The arginine at codon 165 is replaced by leucine, an amino acid with dissimilar properties. This amino acid position is conserved. In addition, this alteration is predicted to be tolerated by in silico analysis. Based on the available evidence, the clinical significance of this variant remains unclear.

NM_004364.5(CEBPA):c.494G>T (p.Arg165Leu)

Gene: CEBPA (CCAAT enhancer binding protein alpha; minus strand). Cytogenetic location: 19q13.11.
Variant type: single nucleotide variant.
Coding change: c.494G>T on transcript NM_004364.5 (MANE Select); coding-DNA position 494, G replaced by T.
Protein change: p.Arg165Leu; replaces arginine 165 with leucine.
Molecular consequence: missense variant.
Genome position (GRCh38, 1-based): chr19:33,301,921, C>A on the plus strand (G>T on the coding strand, the complement: CEBPA is on the minus strand). VCF-style: chr19-33301921-C-A. GRCh37 (hg19) VCF-style: chr19-33792827-C-A.
Other names: c.137G>T, p.Arg46Leu (NM_001285829.2); c.599G>T, p.Arg200Leu (NM_001287424.2); c.452G>T, p.Arg151Leu (NM_001287435.2); short protein forms R200L, R151L, R165L, R46L.
Identifiers: ClinVar variation 4611091 (VCV004611091.1).